The following is an entry in ClinVar:

ClinVar aggregate classification (germline): Pathogenic/Likely pathogenic. Review status: criteria provided, multiple submitters, no conflicts (2 of 4 stars). 8 submissions from 8 submitters: Pathogenic (6); Likely pathogenic (2). Last evaluated 2026-01-25.

Conditions:
SMARCAL1-related disorder. Also called: SMARCAL1-related condition.
Schimke immuno-osseous dysplasia (SIOD). Also called: Schimke Immunoosseous Dysplasia. Identifiers: Orphanet 1830, MedGen C0877024, MONDO:0009458, OMIM 242900.
Inherited Immunodeficiency Diseases. Identifiers: MedGen C5197805, MeSH D000081207.

Allele frequency attached by ClinVar (database versions not stated): gnomAD 0.00002; TOPMed 0.00002; ExAC 0.00008.
gnomAD v4.1: 109 of 1,591,684 alleles (0.0068%); highest among the groups gnomAD compares: Non-Finnish European, 0.009%; no homozygotes.

Submissions (8):

Labcorp Genetics (formerly Invitae), Labcorp
Classification: Pathogenic for Schimke immuno-osseous dysplasia. Last evaluated: 2026-01-25. Review status: criteria provided, single submitter. Criteria: Invitae Variant Classification Sherloc (09022015). Collection method: clinical testing. Allele origin: germline.
Comment: This sequence change replaces arginine, which is basic and polar, with histidine, which is basic and polar, at codon 820 of the SMARCAL1 protein (p.Arg820His). The frequency data for this variant in the population databases is considered unreliable, as metrics indicate poor data quality at this position in the gnomAD database. This missense change has been observed in individual(s) with Schimke immuno-osseous dysplasia (PMID: 11799392, 30026777). In at least one individual the data is consistent with being in trans (on the opposite chromosome) from a pathogenic variant. ClinVar contains an entry for this variant (Variation ID: 827737). Invitae Evidence Modeling of protein sequence and biophysical properties (such as structural, functional, and spatial information, amino acid conservation, physicochemical variation, residue mobility, and thermodynamic stability) indicates that this missense variant is expected to disrupt SMARCAL1 protein function with a positive predictive value of 80%. Experimental studies have shown that this missense change affects SMARCAL1 function (PMID: 18805831). For these reasons, this variant has been classified as Pathogenic.

Natera, Inc.
Classification: Pathogenic for Schimke immuno-osseous dysplasia. Last evaluated: 2025-08-18. Review status: criteria provided, single submitter. Criteria: Natera Variant Classification Schema (03/2026). Collection method: clinical testing. Allele origin: germline.
Comment: The c.2459G>A variant in SMARCAL1 is a missense variant predicted to cause substitution of arginine to histidine at amino acid 820. This variant is rare in the general population with a frequency below the threshold expected for the associated phenotype(s). This variant has been observed in one or more individuals affected with the associated recessive disease, as either homozygous or compound heterozygous with a second variant (PMID: 28796785, 18805831, 34031513). Additionally, this variant has been observed to segregate in affected family members (PMID: 28796785). Computational prediction algorithms indicate this variant is likely to affect gene or protein function. Given the available evidence, this variant is classified as Pathogenic.

Revvity Omics, Revvity
Classification: Likely pathogenic for Schimke immuno-osseous dysplasia. Last evaluated: 2025-01-20. Review status: criteria provided, single submitter. Criteria: ACMG Guidelines, 2015. Collection method: clinical testing. Allele origin: germline.

Blueprint Genetics
Classification: Pathogenic for SMARCAL1-related disorders. Last evaluated: 2023-08-07. Review status: criteria provided, single submitter. Criteria: ACMG Guidelines, 2015. Collection method: clinical testing. Allele origin: germline. Affected: yes. Observed: 5 variant alleles.

Fulgent Genetics
Classification: Pathogenic for Schimke immuno-osseous dysplasia. Last evaluated: 2021-09-07. Review status: criteria provided, single submitter. Criteria: ACMG Guidelines, 2015. Collection method: clinical testing. Allele origin: unknown.

NIHR Bioresource Rare Diseases, University of Cambridge
Classification: Likely pathogenic for Inherited Immunodeficiency Diseases. Last evaluated: 2019-01-01. Review status: criteria provided, single submitter. Criteria: ACMG Guidelines, 2015. Collection method: research. Allele origin: germline. Affected: yes. Observed: 1 heterozygote.

Clinical Genetics and Genomics, Karolinska University Hospital
Classification: Pathogenic. Last evaluated: 2016-01-12. Review status: criteria provided, single submitter. Criteria: ACMG Guidelines, 2015. Collection method: clinical testing. Allele origin: germline. Affected: yes. Observed: 3 variant alleles.

Juno Genomics, Hangzhou Juno Genomics, Inc
Classification: Pathogenic for Schimke immuno-osseous dysplasia. Review status: criteria provided, single submitter. Criteria: ACMG Guidelines, 2015. Collection method: clinical testing. Allele origin: germline.
Comment: Absent from controls (or at extremely low frequency if recessive) in Genome Aggregation Database.;Multiple lines of computational evidence support a deleterious effect on the gene or gene product.;For recessive disorders, detected in trans with a pathogenic variant.;Patient's phenotype or family history is highly specific for a disease with a single genetic etiology.

Literature cited by the submitters: PubMed 11799392 (cited by Labcorp Genetics (formerly Invitae), Labcorp); PubMed 30026777 (cited by Labcorp Genetics (formerly Invitae), Labcorp); PubMed 18805831 (cited by Labcorp Genetics (formerly Invitae), Labcorp and Natera, Inc.); PubMed 28796785 (cited by Natera, Inc.); PubMed 34031513 (cited by Natera, Inc.).

NM_014140.4(SMARCAL1):c.2459G>A (p.Arg820His)

Gene: SMARCAL1 (SNF2 related chromatin remodeling annealing helicase 1; plus strand). Cytogenetic location: 2q35.
Variant type: single nucleotide variant.
Coding change: c.2459G>A on transcript NM_014140.4 (MANE Select); coding-DNA position 2459, G replaced by A.
Protein change: p.Arg820His; replaces arginine 820 with histidine.
Molecular consequence: missense variant.
Genome position (GRCh38, 1-based): chr2:216,477,140, G>A. VCF-style: chr2-216477140-G-A. GRCh37 (hg19) VCF-style: chr2-217341863-G-A.
Other names: c.2459G>A, p.Arg820His (NM_001127207.2); short protein forms R820H.
Identifiers: ClinVar variation 827737 (VCV000827737.18), dbSNP rs200666300, ClinGen allele CA2098212.